The following is an entry in ClinVar:

ClinVar aggregate classification (germline): Likely benign (1 of 4 stars; one submission).

Conditions:
PPM1F-related condition.

gnomAD v4.1: 115 of 1,612,838 alleles (0.0071%); highest among the groups gnomAD compares: South Asian, 0.011%; no homozygotes.

Submission:

PreventionGenetics, part of Exact Sciences
Classification: Likely benign for PPM1F-related condition. Last evaluated: 2026-03-11. Review status: criteria provided, single submitter. Criteria: ACMG Guidelines, 2015. Collection method: clinical testing. Allele origin: germline.
Comment: This variant is classified as likely benign based on ACMG/AMP sequence variant interpretation guidelines (Richards et al. 2015 PMID: 25741868, with internal and published modifications).

NM_014634.4(PPM1F):c.780G>A (p.Ala260=)

Gene: PPM1F (protein phosphatase, Mg2+/Mn2+ dependent 1F; minus strand). Cytogenetic location: 22q11.22.
Variant type: single nucleotide variant.
Coding change: c.780G>A on transcript NM_014634.4 (MANE Select); coding-DNA position 780, G replaced by A.
Protein change: p.Ala260=; no amino-acid change (alanine 260 retained).
Molecular consequence: synonymous variant.
Genome position (GRCh38, 1-based): chr22:21,931,259, C>T on the plus strand (G>A on the coding strand, the complement: PPM1F is on the minus strand). VCF-style: chr22-21931259-C-T. GRCh37 (hg19) VCF-style: chr22-22285631-C-T.
Other names: c.276G>A, p.Ala92= (NM_001410836.1).
Identifiers: ClinVar variation 4986806 (VCV004986806.1).